The following is an entry in ClinVar:

ClinVar aggregate classification (germline): Conflicting classifications of pathogenicity. Review status: criteria provided, conflicting classifications (1 of 4 stars). 2 submissions from 2 submitters: Likely pathogenic (1); Uncertain significance (1). Last evaluated 2025-09-10.

Conditions:
Hypertrophic cardiomyopathy. Also called: HYPERTROPHIC MYOCARDIOPATHY. Identifiers: Orphanet 217569, MedGen C0007194, MeSH D002312, MONDO:0005045, HP:0001639.

Submissions (2):

Labcorp Genetics (formerly Invitae), Labcorp
Classification: Uncertain significance for Hypertrophic cardiomyopathy. Last evaluated: 2025-09-10. Review status: criteria provided, single submitter. Criteria: Invitae Variant Classification Sherloc (09022015). Collection method: clinical testing. Allele origin: germline.
Comment: This sequence change replaces glutamic acid, which is acidic and polar, with lysine, which is basic and polar, at codon 535 of the MYH7 protein (p.Glu535Lys). This variant is not present in population databases (gnomAD no frequency). This variant has not been reported in the literature in individuals affected with MYH7-related conditions. ClinVar contains an entry for this variant (Variation ID: 1522872). Invitae Evidence Modeling of protein sequence and biophysical properties (such as structural, functional, and spatial information, amino acid conservation, physicochemical variation, residue mobility, and thermodynamic stability) indicates that this missense variant is expected to disrupt MYH7 protein function with a positive predictive value of 95%. In summary, the available evidence is currently insufficient to determine the role of this variant in disease. Therefore, it has been classified as a Variant of Uncertain Significance.

GeneDx
Classification: Likely pathogenic. Last evaluated: 2024-12-01. Review status: criteria provided, single submitter. Criteria: GeneDx Variant Classification Process June 2021. Collection method: clinical testing. Allele origin: germline. Affected: yes.
Comment: Not observed at significant frequency in large population cohorts (gnomAD); In silico analysis supports that this missense variant has a deleterious effect on protein structure/function; Has not been previously published as pathogenic or benign to our knowledge; This variant is associated with the following publications: (PMID: 27532257, 29300372)

NM_000257.4(MYH7):c.1603G>A (p.Glu535Lys)

Gene: MYH7 (myosin heavy chain 7; minus strand). Cytogenetic location: 14q11.2.
Variant type: single nucleotide variant.
Coding change: c.1603G>A on transcript NM_000257.4 (MANE Select); coding-DNA position 1603, G replaced by A.
Protein change: p.Glu535Lys; replaces glutamic acid 535 with lysine.
Molecular consequence: missense variant.
Genome position (GRCh38, 1-based): chr14:23,427,870, C>T on the plus strand (G>A on the coding strand, the complement: MYH7 is on the minus strand). VCF-style: chr14-23427870-C-T. GRCh37 (hg19) VCF-style: chr14-23897079-C-T.
Other names: c.1603G>A (NM_000257.2); short protein forms E535K.
Identifiers: ClinVar variation 1522872 (VCV001522872.9), dbSNP rs2138672565, ClinGen allele CA389050221.